The following is an entry in ClinVar:

ClinVar aggregate classification (germline): Uncertain significance. Review status: criteria provided, multiple submitters, no conflicts (2 of 4 stars). 5 submissions from 4 submitters: Uncertain significance (5). Last evaluated 2024-11-11.

Conditions:
Lymphatic malformation 6 (LMPHM6). Also called: GENERALIZED LYMPHATIC DYSPLASIA OF FOTIOU; Lymphedema, hereditary, III; PIEZO1-related generalized lymphatic dysplasia with non-immune hydrops fetalis. Identifiers: Orphanet 568062, MedGen C4225184, MONDO:0014797, OMIM 616843.
Inborn genetic diseases. Identifiers: MedGen C0950123, MeSH D030342.
Dehydrated hereditary stomatocytosis with or without pseudohyperkalemia and/or perinatal edema (DHS1). Also called: PSEUDOHYPERKALEMIA EDINBURGH; DEHYDRATED HEREDITARY STOMATOCYTOSIS AND PSEUDOHYPERKALEMIA; DEHYDRATED HEREDITARY STOMATOCYTOSIS WITH PSEUDOHYPERKALEMIA AND PERINATAL EDEMA; Pseudohyperkalemia, familial, 1, due to red cell leak; Dehydrated hereditary stomatocytosis 1 with or without pseudohyperkalemia and/or perinatal edema. Identifiers: Orphanet 3202, MedGen C4551512, MONDO:0008689, OMIM 194380.

Allele frequency attached by ClinVar (database versions not stated): ExAC 0.00021; TOPMed 0.00009; gnomAD 0.00003.
gnomAD v4.1: 149 of 1,549,026 alleles (0.0096%); highest among the groups gnomAD compares: South Asian, 0.029%; 2 homozygotes.

Submissions (5):

Ambry Genetics
Classification: Uncertain significance for Inborn genetic diseases. Last evaluated: 2024-11-11. Review status: criteria provided, single submitter. Criteria: Ambry Variant Classification Scheme 2023. Collection method: clinical testing. Allele origin: germline.

Revvity Omics, Revvity
Classification: Uncertain significance. Last evaluated: 2024-06-25. Review status: criteria provided, single submitter. Criteria: ACMG Guidelines, 2015. Collection method: clinical testing. Allele origin: germline.

ARUP Laboratories, Molecular Genetics and Genomics, ARUP Laboratories
Classification: Uncertain significance. Last evaluated: 2022-02-11. Review status: criteria provided, single submitter. Criteria: ARUP Molecular Germline Variant Investigation Process 2021. Collection method: clinical testing. Allele origin: germline.
Comment: The PIEZO1 c.3107G>A; p.Arg1036His variant (rs769506340), to our knowledge, is not reported in the medical literature but is reported in ClinVar (Variation ID: 548456). This variant is found in the general population with an overall allele frequency of 0.01% (21/185990 alleles) in the Genome Aggregation Database. The arginine at codon 1036 is moderately conserved, and computational analyses are uncertain whether this variant is neutral or deleterious (REVEL: 0.226). Given the lack of clinical and functional data, the significance of the p.Arg1036His variant is uncertain at this time.

Genomic Research Center, Shahid Beheshti University of Medical Sciences
Classification: Uncertain significance for Xerocytosis. Last evaluated: 2018-03-05. Review status: criteria provided, single submitter. Criteria: ACMG Guidelines, 2015. Collection method: clinical testing. Allele origin: inherited. Affected: yes. Observed: 1 variant allele.

Genomic Research Center, Shahid Beheshti University of Medical Sciences
Classification: Uncertain significance for Lymphatic malformation 6. Last evaluated: 2018-03-05. Review status: criteria provided, single submitter. Criteria: ACMG Guidelines, 2015. Collection method: clinical testing. Allele origin: inherited. Affected: yes. Observed: 1 variant allele.

NM_001142864.4(PIEZO1):c.3107G>A (p.Arg1036His)

Genes: HSALR1 (HSP90AB1 associated lncRNA 1; plus strand), PIEZO1 (piezo type mechanosensitive ion channel component 1 (Er blood group); minus strand). Cytogenetic location: 16q24.3.
Variant type: single nucleotide variant.
Coding change: c.3107G>A on transcript NM_001142864.4 (MANE Select); coding-DNA position 3107, G replaced by A.
Protein change: p.Arg1036His; replaces arginine 1036 with histidine.
Molecular consequence: missense variant.
Genome position (GRCh38, 1-based): chr16:88,731,795, C>T on the plus strand (G>A on the coding strand, the complement: PIEZO1 is on the minus strand). VCF-style: chr16-88731795-C-T. GRCh37 (hg19) VCF-style: chr16-88798203-C-T.
Other names: c.3107G>A (NM_001142864.2); c.3107G>A, p.Arg1036His (LRG_1137t1); short protein forms R1036H.
Identifiers: ClinVar variation 548456 (VCV000548456.16), dbSNP rs769506340, ClinGen allele CA8232564.